The following is an entry in ClinVar:

NM_000059.4(BRCA2):c.920G>A (p.Ser307Asn)

Gene: BRCA2 (BRCA2 DNA repair associated; plus strand). Cytogenetic location: 13q13.1.
Variant type: single nucleotide variant.
Coding change: c.920G>A on transcript NM_000059.4 (MANE Select); coding-DNA position 920, G replaced by A.
Protein change: p.Ser307Asn; replaces serine 307 with asparagine.
Molecular consequence: missense variant. On other transcripts: non-coding transcript variant (1), intron variant (1).
Genome position (GRCh38, 1-based): chr13:32,332,398, G>A. VCF-style: chr13-32332398-G-A. GRCh37 (hg19) VCF-style: chr13-32906535-G-A.
Other names: c.920G>A, p.Ser307Asn (NM_001406719.1, NM_001406720.1, NM_001406721.1); c.424+1368G>A (NM_001406722.1); short protein forms S307N.
Identifiers: ClinVar variation 3261619 (VCV003261619.1).
Genomic context (GRCh38, chr13:32,332,398, plus strand): 5'-TGCCAAATGTCCTAGAAGATGAAGTATATGAAACAGTTGTAGATACCTCTGAAGAAGATA[G>A]TTTTTCATTATGTTTTTCTAAATGTAGAACAAAAAATCTACAAAAAGTAAGAACTAGCAA-3'
Protein context (NP_000050.3, residues 297-317): ETVVDTSEED[Ser307Asn]FSLCFSKCRT

ClinVar aggregate classification (germline): Uncertain significance (1 of 4 stars; one submission).

Conditions:
Hereditary cancer-predisposing syndrome. Also called: Hereditary Cancer Syndrome; Tumor predisposition; Hereditary neoplastic syndrome; Neoplastic Syndromes, Hereditary. Identifiers: Orphanet 140162, MedGen C0027672, MeSH D009386, MONDO:0015356.

Submission:

Ambry Genetics
Classification: Uncertain significance for Hereditary cancer-predisposing syndrome. Last evaluated: 2024-05-10. Review status: criteria provided, single submitter. Criteria: Ambry Variant Classification Scheme 2023. Collection method: clinical testing. Allele origin: germline.
Comment: The p.S307N variant (also known as c.920G>A), located in coding exon 9 of the BRCA2 gene, results from a G to A substitution at nucleotide position 920. The serine at codon 307 is replaced by asparagine, an amino acid with highly similar properties. This amino acid position is conserved. In addition, this alteration is predicted to be tolerated by in silico analysis. Based on the available evidence, the clinical significance of this variant remains unclear.